The following is an entry in ClinVar:

ClinVar aggregate classification (germline): Likely benign. Review status: criteria provided, single submitter (1 of 4 stars). 2 submissions from 2 submitters: Likely benign (1). 1 of the submissions does not count toward it. Last evaluated 2024-11-27.

Conditions:
CLU-related disorder. Also called: CLU-related condition.

Allele frequency attached by ClinVar (database versions not stated): ESP Exome Variant Server 0.59788; gnomAD 0.60795; gnomAD exomes 0.61068; TOPMed 0.61232; ExAC 0.63574; 1000 Genomes Project 30x 0.66209; 1000 Genomes Project 0.66454.
gnomAD v4.1: 985,550 of 1,613,754 alleles (61%); highest among the groups gnomAD compares: East Asian, 77%; 302,531 homozygotes.

Submissions (2):

Blueprint Genetics
Classification: Likely benign. Last evaluated: 2024-11-27. Review status: criteria provided, single submitter. Criteria: ACMG Guidelines, 2015. Collection method: clinical testing. Allele origin: germline.

PreventionGenetics, part of Exact Sciences
Classification: Benign for CLU-related condition. Last evaluated: 2019-10-17. Review status: no assertion criteria provided. Collection method: clinical testing. Allele origin: germline. Not counted in ClinVar's aggregate classification.
Comment: This variant is classified as benign based on ACMG/AMP sequence variant interpretation guidelines (Richards et al. 2015 PMID: 25741868, with internal and published modifications).

NM_001831.4(CLU):c.789T>C (p.His263=)

Gene: CLU (clusterin; minus strand). Cytogenetic location: 8p21.1.
Variant type: single nucleotide variant.
Coding change: c.789T>C on transcript NM_001831.4 (MANE Select); coding-DNA position 789, T replaced by C.
Protein change: p.His263=; no amino-acid change (histidine 263 retained).
Molecular consequence: synonymous variant. On other transcripts: non-coding transcript variant (2).
Genome position (GRCh38, 1-based): chr8:27,604,964, A>G on the plus strand (T>C on the coding strand, the complement: CLU is on the minus strand). VCF-style: chr8-27604964-A-G. GRCh37 (hg19) VCF-style: chr8-27462481-A-G.
Other names: c.822T>C, p.His274= (NM_001171138.1); c.789T>C, p.His263= (NM_203339.3).
Identifiers: ClinVar variation 3060904 (VCV003060904.3), dbSNP rs7982, ClinGen allele CA4690887.